The following is an entry in ClinVar:

NM_024592.5(SRD5A3):c.182C>G (p.Ser61Trp)

Gene: SRD5A3 (steroid 5 alpha-reductase 3; plus strand). Cytogenetic location: 4q12.
Variant type: single nucleotide variant.
Coding change: c.182C>G on transcript NM_024592.5 (MANE Select); coding-DNA position 182, C replaced by G.
Protein change: p.Ser61Trp; replaces serine 61 with tryptophan.
Molecular consequence: missense variant.
Genome position (GRCh38, 1-based): chr4:55,346,518, C>G. VCF-style: chr4-55346518-C-G. GRCh37 (hg19) VCF-style: chr4-56212685-C-G.
Other names: c.182C>G, p.Ser61Trp (NM_001410732.1); c.182C>G (NM_024592.4); short protein forms S61W.
Identifiers: ClinVar variation 2159196 (VCV002159196.6), dbSNP rs756238927, ClinGen allele CA2925223.

ClinVar aggregate classification (germline): Uncertain significance. Review status: criteria provided, multiple submitters, no conflicts (2 of 4 stars). 2 submissions from 2 submitters: Uncertain significance (2). Last evaluated 2023-05-05.

Conditions:
Inborn genetic diseases. Identifiers: MedGen C0950123, MeSH D030342.
SRD5A3-congenital disorder of glycosylation. Also called: Congenital disorder of glycosylation type 1Q; SRD5A3-CDG; COLOBOMA, OCULAR, WITH ICHTHYOSIS, BRAIN MALFORMATIONS, AND ENDOCRINE ABNORMALITIES; CDG Iq; Ocular colobomas, ichthyosis, brain malformations and endocrine abnormalities. Identifiers: Orphanet 324737, MedGen C4317224, MONDO:0012885, OMIM 612379.

Allele frequency attached by ClinVar (database versions not stated): gnomAD 0.00001; ExAC 0.00002.
gnomAD v4.1: 54 of 1,597,756 alleles (0.0034%); highest among the groups gnomAD compares: Non-Finnish European, 0.0046%; no homozygotes.

Submissions (2):

Ambry Genetics
Classification: Uncertain significance for Inborn genetic diseases. Last evaluated: 2023-05-05. Review status: criteria provided, single submitter. Criteria: Ambry Variant Classification Scheme 2023. Collection method: clinical testing. Allele origin: germline.

Labcorp Genetics (formerly Invitae), Labcorp
Classification: Uncertain significance for SRD5A3-congenital disorder of glycosylation. Last evaluated: 2022-02-11. Review status: criteria provided, single submitter. Criteria: Invitae Variant Classification Sherloc (09022015). Collection method: clinical testing. Allele origin: germline.
Comment: This sequence change replaces serine, which is neutral and polar, with tryptophan, which is neutral and slightly polar, at codon 61 of the SRD5A3 protein (p.Ser61Trp). This variant is present in population databases (rs756238927, gnomAD 0.006%). This variant has not been reported in the literature in individuals affected with SRD5A3-related conditions. Algorithms developed to predict the effect of missense changes on protein structure and function are either unavailable or do not agree on the potential impact of this missense change (SIFT: "Deleterious"; PolyPhen-2: "Benign"; Align-GVGD: "Class C0"). In summary, the available evidence is currently insufficient to determine the role of this variant in disease. Therefore, it has been classified as a Variant of Uncertain Significance.